The following is an entry in ClinVar:

ClinVar aggregate classification (germline): Pathogenic. Review status: criteria provided, single submitter (1 of 4 stars). 2 submissions from 2 submitters: Pathogenic (1). 1 of the submissions does not count toward it. Last evaluated 2023-07-18.

Conditions:
Cardiovascular phenotype. Identifiers: MedGen CN230736.
Alstrom syndrome (ALMS). Identifiers: Orphanet 64, MedGen C0268425, MONDO:0008763, OMIM 203800.

Submissions (2):

Ambry Genetics
Classification: Pathogenic for Cardiovascular phenotype. Last evaluated: 2023-07-18. Review status: criteria provided, single submitter. Criteria: Ambry Variant Classification Scheme 2023. Collection method: clinical testing. Allele origin: germline.
Comment: The c.1560delG pathogenic mutation, located in coding exon 8 of the ALMS1 gene, results from a deletion of one nucleotide at nucleotide position 1560, causing a translational frameshift with a predicted alternate stop codon (p.Q520Hfs*4). This variant is considered to be rare based on population cohorts in the Genome Aggregation Database (gnomAD). This alteration is expected to result in loss of function by premature protein truncation or nonsense-mediated mRNA decay. As such, this alteration is interpreted as a disease-causing mutation.

Counsyl
Classification: Likely pathogenic for Alstrom syndrome. Last evaluated: 2017-03-28. Review status: no assertion criteria provided. Collection method: clinical testing. Allele origin: unknown. Not counted in ClinVar's aggregate classification.

NM_001378454.1(ALMS1):c.1557del (p.Gln519fs)

Gene: ALMS1 (ALMS1 centrosome and basal body associated protein; plus strand). Cytogenetic location: 2p13.1.
Variant type: Deletion.
Coding change: c.1557del on transcript NM_001378454.1 (MANE Select); coding-DNA position 1557, one base deleted (G; older notation c.1557delG).
Protein change: p.Gln519fs; shifts the reading frame from glutamine 519.
Molecular consequence: frameshift variant.
Genome position (GRCh38, 1-based): chr2:73,448,084, G deleted. VCF-style (leftmost placement, unchanged base first): chr2-73448083-AG-A. GRCh37 (hg19) VCF-style: chr2-73675213-AG-A.
Other names: c.1560delG (NM_015120.4); c.1560del, p.Gln520fs (NM_015120.4); short protein forms Q520fs, Q519fs.
Identifiers: ClinVar variation 551253 (VCV000551253.4), dbSNP rs1553403262, ClinGen allele CA658823019.